The following is an entry in ClinVar:

ClinVar aggregate classification (germline): Uncertain significance (1 of 4 stars; one submission).

Submission:

Labcorp Genetics (formerly Invitae), Labcorp
Classification: Uncertain significance. Last evaluated: 2021-08-12. Review status: criteria provided, single submitter. Criteria: Invitae Variant Classification Sherloc (09022015). Collection method: clinical testing. Allele origin: germline.
Comment: This variant is a gross deletion of the genomic region encompassing exon(s) 43 of the COL4A4 gene. This variant would be expected to be in-frame, preserving the integrity of the reading frame. This variant has not been reported in the literature in individuals affected with COL4A4-related conditions. Experimental studies and prediction algorithms are not available or were not evaluated, and the functional significance of this variant is currently unknown. In summary, the available evidence is currently insufficient to determine the role of this variant in disease. Therefore, it has been classified as a Variant of Uncertain Significance.

NC_000002.11:g.(?_227890498)_(227890546_?)del

Gene: COL4A4 (collagen type IV alpha 4 chain; minus strand). Cytogenetic location: 2q36.3.
Variant type: Deletion.
Identifiers: ClinVar variation 1372085 (VCV001372085.5).